The following is an entry in ClinVar:

NM_000535.7(PMS2):c.2025A>G (p.Glu675=)

Gene: PMS2 (PMS1 homolog 2, mismatch repair system component; minus strand). Cytogenetic location: 7p22.1.
Variant type: single nucleotide variant.
Coding change: c.2025A>G on transcript NM_000535.7 (MANE Select); coding-DNA position 2025, A replaced by G.
Protein change: p.Glu675=; no amino-acid change (glutamic acid 675 retained).
Molecular consequence: synonymous variant. On other transcripts: non-coding transcript variant (1).
Genome position (GRCh38, 1-based): chr7:5,982,973, T>C on the plus strand (A>G on the coding strand, the complement: PMS2 is on the minus strand). VCF-style: chr7-5982973-T-C. GRCh37 (hg19) VCF-style: chr7-6022604-T-C.
Other names: c.1620A>G, p.Glu540= (NM_001322003.2, NM_001322004.2, NM_001322005.2 and 1 more transcripts); c.1869A>G, p.Glu623= (NM_001322006.2); c.1707A>G, p.Glu569= (NM_001322007.2, NM_001322008.2); c.1464A>G, p.Glu488= (NM_001322010.2); c.1092A>G, p.Glu364= (NM_001322011.2, NM_001322012.2); c.1452A>G, p.Glu484= (NM_001322013.2); c.2025A>G, p.Glu675= (NM_001322014.2); c.1716A>G, p.Glu572= (NM_001322015.2).
Identifiers: ClinVar variation 387928 (VCV000387928.14), dbSNP rs1057522947, ClinGen allele CA16605237.
Genomic context (GRCh38, chr7:5,982,973, plus strand): 5'-GATATCCTCATTCAGTTTGGTTATTATAAATCCCAGGTTAAACTGACCAATGATTTCCAT[T>C]TCTGCAAACATCGTTTTACTGCAGGTAGAAAATGTTAATTATCAGACATTTTACAAGATT-3'
Protein context (NP_000526.2, residues 665-685): RKEISKTMFA[Glu675=]MEIIGQFNLG

ClinVar aggregate classification (germline): Benign/Likely benign. Review status: criteria provided, multiple submitters, no conflicts (2 of 4 stars). 5 submissions from 5 submitters: Benign (1); Likely benign (4). Last evaluated 2025-05-05.

Conditions:
Hereditary nonpolyposis colorectal neoplasms. Identifiers: MedGen C0009405, MeSH D003123.
Hereditary cancer-predisposing syndrome. Also called: Hereditary Cancer Syndrome; Hereditary neoplastic syndrome; Neoplastic Syndromes, Hereditary; Tumor predisposition. Identifiers: Orphanet 140162, MedGen C0027672, MeSH D009386, MONDO:0015356.
Lynch syndrome 4 (LYNCH4). Also called: Hereditary non-polyposis colorectal cancer, type 4; Colorectal cancer, hereditary nonpolyposis, type 4. Identifiers: Orphanet 144, MedGen C1838333, MONDO:0013699, OMIM 614337. Disease mechanism: loss of function.

Submissions (5):

Color Diagnostics, LLC DBA Color Health
Classification: Likely benign for Hereditary cancer-predisposing syndrome. Last evaluated: 2025-05-05. Review status: criteria provided, single submitter. Criteria: ACMG Guidelines, 2015. Collection method: clinical testing. Allele origin: germline.

Myriad Genetics, Inc.
Classification: Benign for Lynch syndrome 4. Last evaluated: 2025-02-03. Review status: criteria provided, single submitter. Criteria: Myriad Autosomal Dominant, Autosomal Recessive and X-Linked Classification Criteria (2023). Collection method: clinical testing. Allele origin: unknown.
Comment: This variant is considered benign. This variant is a silent/synonymous amino acid change and it is not expected to impact splicing.

Labcorp Genetics (formerly Invitae), Labcorp
Classification: Likely benign for Hereditary nonpolyposis colorectal neoplasms. Last evaluated: 2024-06-18. Review status: criteria provided, single submitter. Criteria: Invitae Variant Classification Sherloc (09022015). Collection method: clinical testing. Allele origin: germline.

Ambry Genetics
Classification: Likely benign for Hereditary cancer-predisposing syndrome. Last evaluated: 2022-04-05. Review status: criteria provided, single submitter. Criteria: Ambry Variant Classification Scheme 2023. Collection method: clinical testing. Allele origin: germline.

GeneDx
Classification: Likely benign. Last evaluated: 2017-12-04. Review status: criteria provided, single submitter. Criteria: GeneDx Variant Classification (06012015). Collection method: clinical testing. Allele origin: germline. Affected: yes.
Comment: This variant is considered likely benign or benign based on one or more of the following criteria: it is a conservative change, it occurs at a poorly conserved position in the protein, it is predicted to be benign by multiple in silico algorithms, and/or has population frequency not consistent with disease.